The following is an entry in ClinVar:

NM_206937.2(LIG4):c.1199T>C (p.Ile400Thr)

Gene: LIG4 (DNA ligase 4; minus strand). Cytogenetic location: 13q33.3.
Variant type: single nucleotide variant.
Coding change: c.1199T>C on transcript NM_206937.2 (MANE Select); coding-DNA position 1199, T replaced by C.
Protein change: p.Ile400Thr; replaces isoleucine 400 with threonine.
Molecular consequence: missense variant.
Genome position (GRCh38, 1-based): chr13:108,210,070, A>G on the plus strand (T>C on the coding strand, the complement: LIG4 is on the minus strand). VCF-style: chr13-108210070-A-G. GRCh37 (hg19) VCF-style: chr13-108862418-A-G.
Other names: c.1199T>C, p.Ile400Thr (NM_001098268.2, NM_001352598.2, NM_001352599.2 and 6 more transcripts); c.998T>C, p.Ile333Thr (NM_001330595.2); c.1235T>C, p.Ile412Thr (NM_001352604.2); short protein forms I333T, I400T, I412T.
Identifiers: ClinVar variation 957770 (VCV000957770.9), dbSNP rs1878459563, ClinGen allele CA388618092.
Genomic context (GRCh38, chr13:108,210,070, plus strand): 5'-TCATTCAATGCATCAATTACTTCATTCTTAGTATGAGCTTGTGTTTTCTGCACTATTTCT[A>G]TTCTACCTGGAATTGGTGTAAAAATACTACTAAGAATCTCATACCTCTTTCTCAGAGTCT-3'
Protein context (NP_996820.1, residues 390-410): SSIFTPIPGR[Ile400Thr]EIVQKTQAHT

ClinVar aggregate classification (germline): Uncertain significance (1 of 4 stars; one submission).

Conditions:
DNA ligase IV deficiency. Identifiers: Orphanet 99812, MedGen C1847827, MONDO:0011686, OMIM 606593.

Allele frequency attached by ClinVar (database versions not stated): gnomAD exomes below 0.00001.
gnomAD v4.1: 2 of 1,612,882 alleles (0.00012%); highest among the groups gnomAD compares: Non-Finnish European, 0.00017%; no homozygotes.

Submission:

Labcorp Genetics (formerly Invitae), Labcorp
Classification: Uncertain significance for DNA ligase IV deficiency. Last evaluated: 2023-05-25. Review status: criteria provided, single submitter. Criteria: Invitae Variant Classification Sherloc (09022015). Collection method: clinical testing. Allele origin: germline.
Comment: This sequence change replaces isoleucine, which is neutral and non-polar, with threonine, which is neutral and polar, at codon 400 of the LIG4 protein (p.Ile400Thr). This variant is not present in population databases (gnomAD no frequency). In summary, the available evidence is currently insufficient to determine the role of this variant in disease. Therefore, it has been classified as a Variant of Uncertain Significance. This variant has not been reported in the literature in individuals affected with LIG4-related conditions. ClinVar contains an entry for this variant (Variation ID: 957770). Advanced modeling of protein sequence and biophysical properties (such as structural, functional, and spatial information, amino acid conservation, physicochemical variation, residue mobility, and thermodynamic stability) performed at Invitae indicates that this missense variant is expected to disrupt LIG4 protein function.